The following is an entry in ClinVar:

ClinVar aggregate classification (germline): Likely benign (0 of 4 stars; one submission).

Conditions:
CHD4-related disorder. Also called: CHD4-related condition.

Submission:

PreventionGenetics, part of Exact Sciences
Classification: Likely benign for CHD4-related condition. Last evaluated: 2022-02-15. Review status: no assertion criteria provided. Collection method: clinical testing. Allele origin: germline.
Comment: This variant is classified as likely benign based on ACMG/AMP sequence variant interpretation guidelines (Richards et al. 2015 PMID: 25741868, with internal and published modifications).

NM_001273.5(CHD4):c.1242+8_1242+11del

Gene: CHD4 (chromodomain helicase DNA binding protein 4; minus strand). Cytogenetic location: 12p13.31.
Variant type: Deletion.
Coding change: c.1242+8_1242+11del on transcript NM_001273.5 (MANE Select); bases 8 to 11 of the intron after coding-DNA position 1242, 4 bases deleted (TCTG; older notation c.1242+8_1242+11delTCTG).
Molecular consequence: intron variant.
Genome position (GRCh38, 1-based): chr12:6,600,206-6,600,209, CAGA deleted on the plus strand (TCTG on the coding strand, the reverse complement: CHD4 is on the minus strand); deleting any 4 consecutive bases within chr12:6,600,206-6,600,211 gives the same sequence; the c. name uses the placement nearest the transcript's 3' end. VCF-style (leftmost placement, unchanged base first): chr12-6600205-CCAGA-C. GRCh37 (hg19) VCF-style: chr12-6709371-CCAGA-C.
Other names: c.1203+8_1203+11del (NM_001363606.2); c.1221+8_1221+11del (NM_001297553.2).
Identifiers: ClinVar variation 3058619 (VCV003058619.2), dbSNP rs771901202, ClinGen allele CA6412292.
Genomic context (GRCh38, chr12:6,600,205, plus strand): 5'-GGCCCCGAAGAGCTTTACTGTCCCACCCTTCTTCTCATGGGTTCCAAGGGGCCACAATGG[CCAGA>C]CACTCACGCAGTGTGGGCAGCTCCACTTGCCCTCGGGAGCCTTCTCCATGTCGGGATCCA-3'